The following is an entry in ClinVar:

NM_004629.2(FANCG):c.1017T>A (p.His339Gln)

Gene: FANCG (FA complementation group G; minus strand). Cytogenetic location: 9p13.3.
Variant type: single nucleotide variant.
Coding change: c.1017T>A on transcript NM_004629.2 (MANE Select); coding-DNA position 1017, T replaced by A.
Protein change: p.His339Gln; replaces histidine 339 with glutamine.
Molecular consequence: missense variant.
Genome position (GRCh38, 1-based): chr9:35,076,491, A>T on the plus strand (T>A on the coding strand, the complement: FANCG is on the minus strand). VCF-style: chr9-35076491-A-T. GRCh37 (hg19) VCF-style: chr9-35076488-A-T.
Other names: short protein forms H339Q.
Identifiers: ClinVar variation 1422608 (VCV001422608.5), dbSNP rs764465471, ClinGen allele CA373310835.

ClinVar aggregate classification (germline): Uncertain significance (1 of 4 stars; one submission).

Conditions:
Fanconi anemia (FA). Also called: Fanconi's anemia. Identifiers: Orphanet 84, MedGen C0015625, MeSH D005199, MONDO:0019391.

gnomAD v4.1: 1 of 1,614,140 alleles (0.000062%); highest among the groups gnomAD compares: East Asian, 0.0022%; no homozygotes.

Submission:

Labcorp Genetics (formerly Invitae), Labcorp
Classification: Uncertain significance for Fanconi anemia. Last evaluated: 2021-08-24. Review status: criteria provided, single submitter. Criteria: Invitae Variant Classification Sherloc (09022015). Collection method: clinical testing. Allele origin: germline.
Comment: This sequence change replaces histidine with glutamine at codon 339 of the FANCG protein (p.His339Gln). The histidine residue is moderately conserved and there is a small physicochemical difference between histidine and glutamine. This variant is not present in population databases (ExAC no frequency). This variant has not been reported in the literature in individuals affected with FANCG-related conditions. Algorithms developed to predict the effect of missense changes on protein structure and function are either unavailable or do not agree on the potential impact of this missense change (SIFT: "Tolerated"; PolyPhen-2: "Possibly Damaging"; Align-GVGD: "Class C0"). In summary, the available evidence is currently insufficient to determine the role of this variant in disease. Therefore, it has been classified as a Variant of Uncertain Significance.